The following is an entry in ClinVar:

ClinVar aggregate classification (germline): Uncertain significance (1 of 4 stars; one submission).

Allele frequency attached by ClinVar (database versions not stated): ExAC 0.00001; gnomAD exomes 0.00002; ESP Exome Variant Server 0.00008.
gnomAD v4.1: 9 of 1,611,966 alleles (0.00056%); highest among the groups gnomAD compares: African/African-American, 0.0013%; no homozygotes.

Submission:

Labcorp Genetics (formerly Invitae), Labcorp
Classification: Uncertain significance. Last evaluated: 2025-08-06. Review status: criteria provided, single submitter. Criteria: Invitae Variant Classification Sherloc (09022015). Collection method: clinical testing. Allele origin: germline.
Comment: This sequence change replaces isoleucine, which is neutral and non-polar, with valine, which is neutral and non-polar, at codon 542 of the TNNI3K protein (p.Ile542Val). This variant is present in population databases (rs147435094, gnomAD 0.007%). This variant has not been reported in the literature in individuals affected with TNNI3K-related conditions. ClinVar contains an entry for this variant (Variation ID: 1449478). Invitae Evidence Modeling of protein sequence and biophysical properties (such as structural, functional, and spatial information, amino acid conservation, physicochemical variation, residue mobility, and thermodynamic stability) indicates that this missense variant is not expected to disrupt TNNI3K protein function with a negative predictive value of 80%. In summary, the available evidence is currently insufficient to determine the role of this variant in disease. Therefore, it has been classified as a Variant of Uncertain Significance.

NM_015978.3(TNNI3K):c.1624A>G (p.Ile542Val)

Genes: FPGT-TNNI3K (FPGT-TNNI3K readthrough; plus strand), TNNI3K (TNNI3 interacting kinase; plus strand). Cytogenetic location: 1p31.1.
Variant type: single nucleotide variant.
Coding change: c.1624A>G on transcript NM_015978.3 (MANE Select); coding-DNA position 1624, A replaced by G.
Protein change: p.Ile542Val; replaces isoleucine 542 with valine.
Molecular consequence: missense variant.
Genome position (GRCh38, 1-based): chr1:74,369,542, A>G. VCF-style: chr1-74369542-A-G. GRCh37 (hg19) VCF-style: chr1-74835226-A-G.
Other names: c.1927A>G, p.Ile643Val (NM_001112808.3, NM_001199327.2); short protein forms I542V, I643V.
Identifiers: ClinVar variation 1449478 (VCV001449478.8), dbSNP rs147435094, ClinGen allele CA909337.